The following is an entry in ClinVar:

ClinVar aggregate classification (germline): Conflicting classifications of pathogenicity. Review status: criteria provided, conflicting classifications (1 of 4 stars). 2 submissions from 2 submitters: Likely pathogenic (1); Uncertain significance (1). Last evaluated 2023-05-04.

Conditions:
COL6A1-related disorder. Also called: COL6A1-related condition.
Bethlem myopathy 1A. Also called: MYOPATHY, BENIGN CONGENITAL, WITH CONTRACTURES; Bethlem myopathy 1; Bethlem Muscular Dystrophy. Identifiers: Orphanet 610, MedGen CN029274, MONDO:0024530, OMIM 158810.

Submissions (2):

Blueprint Genetics
Classification: Likely pathogenic for COL6A1-related disorders. Last evaluated: 2023-05-04. Review status: criteria provided, single submitter. Criteria: ACMG Guidelines, 2015. Collection method: clinical testing. Allele origin: germline. Affected: yes. Observed: 1 variant allele.

Labcorp Genetics (formerly Invitae), Labcorp
Classification: Uncertain significance for Bethlem myopathy 1A. Last evaluated: 2022-09-06. Review status: criteria provided, single submitter. Criteria: Invitae Variant Classification Sherloc (09022015). Collection method: clinical testing. Allele origin: germline.
Comment: This sequence change replaces alanine, which is neutral and non-polar, with threonine, which is neutral and polar, at codon 179 of the COL6A1 protein (p.Ala179Thr). This variant is not present in population databases (gnomAD no frequency). This variant has not been reported in the literature in individuals affected with COL6A1-related conditions. ClinVar contains an entry for this variant (Variation ID: 862327). Advanced modeling of protein sequence and biophysical properties (such as structural, functional, and spatial information, amino acid conservation, physicochemical variation, residue mobility, and thermodynamic stability) performed at Invitae indicates that this missense variant is expected to disrupt COL6A1 protein function. In summary, the available evidence is currently insufficient to determine the role of this variant in disease. Therefore, it has been classified as a Variant of Uncertain Significance.

NM_001848.3(COL6A1):c.535G>A (p.Ala179Thr)

Gene: COL6A1 (collagen type VI alpha 1 chain; plus strand). Cytogenetic location: 21q22.3.
Variant type: single nucleotide variant.
Coding change: c.535G>A on transcript NM_001848.3 (MANE Select); coding-DNA position 535, G replaced by A.
Protein change: p.Ala179Thr; replaces alanine 179 with threonine.
Molecular consequence: missense variant.
Genome position (GRCh38, 1-based): chr21:45,986,632, G>A. VCF-style: chr21-45986632-G-A. GRCh37 (hg19) VCF-style: chr21-47406546-G-A.
Other names: short protein forms A179T.
Identifiers: ClinVar variation 862327 (VCV000862327.11), dbSNP rs2077740453, ClinGen allele CA410518105.